The following is an entry in ClinVar:

ClinVar aggregate classification (germline): Uncertain significance. Review status: criteria provided, multiple submitters, no conflicts (2 of 4 stars). 3 submissions from 3 submitters: Uncertain significance (3). Last evaluated 2025-07-24.

Conditions:
Familial adenomatous polyposis 1 (FAP1). Also called: POLYPOSIS, ADENOMATOUS INTESTINAL; FAMILIAL ADENOMATOUS POLYPOSIS 1, ATTENUATED. Identifiers: MedGen C2713442, MONDO:0021056, OMIM 175100. Disease mechanism: loss of function.
Hereditary cancer-predisposing syndrome. Also called: Neoplastic Syndromes, Hereditary; Tumor predisposition; Hereditary Cancer Syndrome; Hereditary neoplastic syndrome. Identifiers: Orphanet 140162, MedGen C0027672, MeSH D009386, MONDO:0015356.

Allele frequency attached by ClinVar (database versions not stated): TOPMed below 0.00001.

Submissions (3):

Ambry Genetics
Classification: Uncertain significance for Hereditary cancer-predisposing syndrome. Last evaluated: 2025-07-24. Review status: criteria provided, single submitter. Criteria: Ambry Variant Classification Scheme 2023. Collection method: clinical testing. Allele origin: germline.
Comment: The p.S373F variant (also known as c.1118C>T), located in coding exon 9 of the APC gene, results from a C to T substitution at nucleotide position 1118. The serine at codon 373 is replaced by phenylalanine, an amino acid with highly dissimilar properties. This amino acid position is well conserved in available vertebrate species. In addition, in silico predictors for this gene do not accurately predict pathogenicity. Missense alterations in APC are not a common cause of disease (Spier I et al. Genet Med. 2024 Feb;26(2):100992). Based on the available evidence, the clinical significance of this variant remains unclear.

Labcorp Genetics (formerly Invitae), Labcorp
Classification: Uncertain significance for Familial adenomatous polyposis 1. Last evaluated: 2022-08-21. Review status: criteria provided, single submitter. Criteria: Invitae Variant Classification Sherloc (09022015). Collection method: clinical testing. Allele origin: germline.
Comment: In summary, the available evidence is currently insufficient to determine the role of this variant in disease. Therefore, it has been classified as a Variant of Uncertain Significance. Algorithms developed to predict the effect of missense changes on protein structure and function are either unavailable or do not agree on the potential impact of this missense change (SIFT: "Deleterious"; PolyPhen-2: "Benign"; Align-GVGD: "Class C25"). ClinVar contains an entry for this variant (Variation ID: 652903). This variant has not been reported in the literature in individuals affected with APC-related conditions. This variant is not present in population databases (gnomAD no frequency). This sequence change replaces serine, which is neutral and polar, with phenylalanine, which is neutral and non-polar, at codon 373 of the APC protein (p.Ser373Phe).

Color Diagnostics, LLC DBA Color Health
Classification: Uncertain significance for Hereditary cancer-predisposing syndrome. Last evaluated: 2019-02-22. Review status: criteria provided, single submitter. Criteria: ACMG Guidelines, 2015. Collection method: clinical testing. Allele origin: germline.

NM_000038.6(APC):c.1118C>T (p.Ser373Phe)

Gene: APC (APC regulator of Wnt signaling pathway; plus strand). Cytogenetic location: 5q22.2.
Variant type: single nucleotide variant.
Coding change: c.1118C>T on transcript NM_000038.6 (MANE Select); coding-DNA position 1118, C replaced by T.
Protein change: p.Ser373Phe; replaces serine 373 with phenylalanine.
Molecular consequence: missense variant. On other transcripts: intron variant (4).
Genome position (GRCh38, 1-based): chr5:112,819,150, C>T. VCF-style: chr5-112819150-C-T. GRCh37 (hg19) VCF-style: chr5-112154847-C-T.
Other names: c.1118C>T, p.Ser373Phe (NM_001127510.3, NM_001354895.2, NM_001354896.2); c.1064C>T, p.Ser355Phe (NM_001127511.3); c.1148C>T, p.Ser383Phe (NM_001354897.2); c.1043C>T, p.Ser348Phe (NM_001354898.2); c.1034C>T, p.Ser345Phe (NM_001354899.2); c.941C>T, p.Ser314Phe (NM_001354900.2, NM_001354901.2); c.269C>T, p.Ser90Phe (NM_001354906.2); c.964-119C>T (NM_001354902.2); and 3 more; short protein forms S383F, S314F, S355F, S345F, S373F, S348F, S90F.
Identifiers: ClinVar variation 652903 (VCV000652903.12), dbSNP rs578054038, ClinGen allele CA16023762.